The following is an entry in ClinVar:

NM_001145809.2(MYH14):c.5520G>C (p.Lys1840Asn)

Gene: MYH14 (myosin heavy chain 14; plus strand). Cytogenetic location: 19q13.33.
Variant type: single nucleotide variant.
Coding change: c.5520G>C on transcript NM_001145809.2 (MANE Select); coding-DNA position 5520, G replaced by C.
Protein change: p.Lys1840Asn; replaces lysine 1840 with asparagine.
Molecular consequence: missense variant.
Genome position (GRCh38, 1-based): chr19:50,301,711, G>C. VCF-style: chr19-50301711-G-C. GRCh37 (hg19) VCF-style: chr19-50804968-G-C.
Other names: c.5421G>C, p.Lys1807Asn (NM_001077186.2); c.5397G>C, p.Lys1799Asn (NM_024729.4); short protein forms K1799N, K1807N, K1840N.
Identifiers: ClinVar variation 1700435 (VCV001700435.4), dbSNP rs1258635913, ClinGen allele CA406964766.

ClinVar aggregate classification (germline): Uncertain significance (1 of 4 stars; one submission).

Allele frequency attached by ClinVar (database versions not stated): TOPMed below 0.00001; gnomAD 0.00001.
gnomAD v4.1: 1 of 1,613,792 alleles (0.000062%); highest among the groups gnomAD compares: Non-Finnish European, 0.000085%; no homozygotes.

Submission:

GeneDx
Classification: Uncertain significance. Last evaluated: 2025-10-12. Review status: criteria provided, single submitter. Criteria: GeneDx Variant Classification Process June 2021. Collection method: clinical testing. Allele origin: germline. Affected: yes.
Comment: Not observed at significant frequency in large population cohorts (gnomAD); In silico analysis supports that this missense variant has a deleterious effect on protein structure/function; Has not been previously published as pathogenic or benign to our knowledge